The following is an entry in ClinVar:

NM_002317.7(LOX):c.95C>A (p.Pro32Gln)

Genes: LOX (lysyl oxidase; minus strand), SRFBP1 (serum response factor binding protein 1; plus strand). Cytogenetic location: 5q23.1.
Variant type: single nucleotide variant.
Coding change: c.95C>A on transcript NM_002317.7 (MANE Select); coding-DNA position 95, C replaced by A.
Protein change: p.Pro32Gln; replaces proline 32 with glutamine.
Molecular consequence: missense variant.
Genome position (GRCh38, 1-based): chr5:122,077,891, G>T on the plus strand (C>A on the coding strand, the complement: LOX is on the minus strand). VCF-style: chr5-122077891-G-T. GRCh37 (hg19) VCF-style: chr5-121413586-G-T.
Other names: c.95C>A (NM_002317.5); short protein forms P32Q.
Identifiers: ClinVar variation 1306990 (VCV001306990.9), dbSNP rs780762236, ClinGen allele CA360878452.
Genomic context (GRCh38, chr5:122,077,891, plus strand): 5'-CCGTTGTTCTCCCATTGGATCTGCTGGCGCCAGGCGCCCGGAGCCGCCGGCGGCTCGCGC[G>T]GGGGCTGCTGTTGGCCGGCGGCGGGAGGGGCGCAGTGCACTAGCGCGCAGAGCTGCAAAG-3'
Protein context (NP_002308.2, residues 22-42): APPAAGQQQP[Pro32Gln]REPPAAPGAW

ClinVar aggregate classification (germline): Conflicting classifications of pathogenicity. Review status: criteria provided, conflicting classifications (1 of 4 stars). 3 submissions from 3 submitters: Uncertain significance (2); Likely benign (1). Last evaluated 2025-10-26.

Conditions:
Cardiovascular phenotype. Identifiers: MedGen CN230736.

gnomAD v4.1: 16 of 1,527,462 alleles (0.001%); highest among the groups gnomAD compares: East Asian, 0.0025%; no homozygotes.

Submissions (3):

Labcorp Genetics (formerly Invitae), Labcorp
Classification: Uncertain significance. Last evaluated: 2025-10-26. Review status: criteria provided, single submitter. Criteria: Invitae Variant Classification Sherloc (09022015). Collection method: clinical testing. Allele origin: germline.
Comment: This sequence change replaces proline, which is neutral and non-polar, with glutamine, which is neutral and polar, at codon 32 of the LOX protein (p.Pro32Gln). The frequency data for this variant in the population databases is considered unreliable, as metrics indicate poor data quality at this position in the gnomAD database. This variant has not been reported in the literature in individuals affected with LOX-related conditions. ClinVar contains an entry for this variant (Variation ID: 1306990). Invitae Evidence Modeling of protein sequence and biophysical properties (such as structural, functional, and spatial information, amino acid conservation, physicochemical variation, residue mobility, and thermodynamic stability) indicates that this missense variant is not expected to disrupt LOX protein function with a negative predictive value of 95%. In summary, the available evidence is currently insufficient to determine the role of this variant in disease. Therefore, it has been classified as a Variant of Uncertain Significance.

Ambry Genetics
Classification: Likely benign for Cardiovascular phenotype. Last evaluated: 2025-09-11. Review status: criteria provided, single submitter. Criteria: Ambry Variant Classification Scheme 2023. Collection method: clinical testing. Allele origin: germline.

GeneDx
Classification: Uncertain significance. Last evaluated: 2024-09-25. Review status: criteria provided, single submitter. Criteria: GeneDx Variant Classification Process June 2021. Collection method: clinical testing. Allele origin: germline. Affected: yes.
Comment: Has not been previously published as pathogenic or benign to our knowledge; Not observed at significant frequency in large population cohorts (gnomAD); In silico analysis indicates that this missense variant does not alter protein structure/function